The following is an entry in ClinVar:

ClinVar aggregate classification (germline): Likely pathogenic (1 of 4 stars; one submission).

Conditions:
Spermatogenic failure 30. Identifiers: MedGen C4748224, MONDO:0020851, OMIM 618110.

gnomAD v4.1: 18 of 1,580,356 alleles (0.0011%); highest among the groups gnomAD compares: Non-Finnish European, 0.0015%; no homozygotes.

Submission:

First Genomix Gene Laboratory, Genetic Diagnostics Department
Classification: Likely pathogenic for Spermatogenic failure 30. Last evaluated: 2025-01-22. Review status: criteria provided, single submitter. Criteria: ACMG Guidelines, 2015. Collection method: clinical testing. Allele origin: germline. Inheritance: Autosomal recessive inheritance. Affected: no. Observed: 1 variant allele.

NM_153046.3(TDRD9):c.1495C>T (p.Arg499Ter)

Gene: TDRD9 (tudor domain containing 9; plus strand). Cytogenetic location: 14q32.33.
Variant type: single nucleotide variant.
Coding change: c.1495C>T on transcript NM_153046.3 (MANE Select); coding-DNA position 1495, C replaced by T.
Protein change: p.Arg499Ter; replaces arginine 499 with a stop codon.
Molecular consequence: nonsense.
Genome position (GRCh38, 1-based): chr14:104,004,249, C>T. VCF-style: chr14-104004249-C-T. GRCh37 (hg19) VCF-style: chr14-104470586-C-T.
Other names: short protein forms R499*.
Identifiers: ClinVar variation 4845720 (VCV004845720.1).